The following is an entry in ClinVar:

NM_000092.5(COL4A4):c.3397+1G>C

Gene: COL4A4 (collagen type IV alpha 4 chain; minus strand). Cytogenetic location: 2q36.3.
Variant type: single nucleotide variant.
Coding change: c.3397+1G>C on transcript NM_000092.5 (MANE Select); the canonical splice donor site of the intron after coding-DNA position 3397, G replaced by C.
Molecular consequence: splice donor variant.
Genome position (GRCh38, 1-based): chr2:227,043,076, C>G on the plus strand (G>C on the coding strand, the complement: COL4A4 is on the minus strand). VCF-style: chr2-227043076-C-G. GRCh37 (hg19) VCF-style: chr2-227907792-C-G.
Identifiers: ClinVar variation 835934 (VCV000835934.8), dbSNP rs1212090722, ClinGen allele CA350838386.

ClinVar aggregate classification (germline): Likely pathogenic (1 of 4 stars; one submission).

Submission:

Labcorp Genetics (formerly Invitae), Labcorp
Classification: Likely pathogenic. Last evaluated: 2019-02-11. Review status: criteria provided, single submitter. Criteria: Invitae Variant Classification Sherloc (09022015). Collection method: clinical testing. Allele origin: germline.
Comment: In summary, the currently available evidence indicates that the variant is pathogenic, but additional data are needed to prove that conclusively. Therefore, this variant has been classified as Likely Pathogenic. This sequence change affects a donor splice site in intron 36 of the COL4A4 gene. It is expected to disrupt RNA splicing and likely results in an absent or disrupted protein product. This variant is not present in population databases (ExAC no frequency). This variant has not been reported in the literature in individuals with COL4A4-related conditions. Algorithms developed to predict the effect of sequence changes on RNA splicing suggest that this variant may disrupt the consensus splice site, but this prediction has not been confirmed by published transcriptional studies. Donor and acceptor splice site variants typically lead to a loss of protein function (PMID: 16199547), and loss-of-function variants in COL4A4 are known to be pathogenic (PMID: 11961012, 14582039, 19129241, 21196518, 24052634, 24522496, 24854265, 25307543, 26809805, 27281700).

Literature cited by the submitters: PubMed 16199547; PubMed 11961012; PubMed 14582039; PubMed 19129241; PubMed 21196518; PubMed 24052634; PubMed 24522496; PubMed 24854265; PubMed 25307543; PubMed 26809805; PubMed 27281700.